The following is an entry in ClinVar:

NM_177438.3(DICER1):c.1547T>G (p.Leu516Arg)

Gene: DICER1 (dicer 1, ribonuclease III; minus strand). Cytogenetic location: 14q32.13.
Variant type: single nucleotide variant.
Coding change: c.1547T>G on transcript NM_177438.3 (MANE Select); coding-DNA position 1547, T replaced by G.
Protein change: p.Leu516Arg; replaces leucine 516 with arginine.
Molecular consequence: missense variant.
Genome position (GRCh38, 1-based): chr14:95,116,658, A>C on the plus strand (T>G on the coding strand, the complement: DICER1 is on the minus strand). VCF-style: chr14-95116658-A-C. GRCh37 (hg19) VCF-style: chr14-95582995-A-C.
Other names: c.1547T>G, p.Leu516Arg (NM_001195573.1, NM_001271282.3, NM_001291628.2 and 1 more transcripts); short protein forms L516R.
Identifiers: ClinVar variation 819485 (VCV000819485.4), dbSNP rs1595411600, ClinGen allele CA390885110.

ClinVar aggregate classification (germline): Uncertain significance (1 of 4 stars; one submission).

Conditions:
Hereditary cancer-predisposing syndrome. Also called: Neoplastic Syndromes, Hereditary; Tumor predisposition; Hereditary Cancer Syndrome; Hereditary neoplastic syndrome. Identifiers: Orphanet 140162, MedGen C0027672, MeSH D009386, MONDO:0015356.

Submission:

Ambry Genetics
Classification: Uncertain significance for Hereditary cancer-predisposing syndrome. Last evaluated: 2018-06-29. Review status: criteria provided, single submitter. Criteria: Ambry Variant Classification Scheme 2023. Collection method: clinical testing. Allele origin: germline.
Comment: The p.L516R variant (also known as c.1547T>G), located in coding exon 9 of the DICER1 gene, results from a T to G substitution at nucleotide position 1547. The leucine at codon 516 is replaced by arginine, an amino acid with dissimilar properties. This amino acid position is highly conserved in available vertebrate species. In addition, this alteration is predicted to be deleterious by in silico analysis. Since supporting evidence is limited at this time, the clinical significance of this alteration remains unclear.